The following is an entry in ClinVar:

NM_002471.4(MYH6):c.3576G>A (p.Ala1192=)

Gene: MYH6 (myosin heavy chain 6; minus strand). Cytogenetic location: 14q11.2.
Variant type: single nucleotide variant.
Coding change: c.3576G>A on transcript NM_002471.4 (MANE Select); coding-DNA position 3576, G replaced by A.
Protein change: p.Ala1192=; no amino-acid change (alanine 1192 retained).
Molecular consequence: synonymous variant.
Genome position (GRCh38, 1-based): chr14:23,390,213, C>T on the plus strand (G>A on the coding strand, the complement: MYH6 is on the minus strand). VCF-style: chr14-23390213-C-T. GRCh37 (hg19) VCF-style: chr14-23859422-C-T.
Identifiers: ClinVar variation 1329249 (VCV001329249.34), dbSNP rs762573185, ClinGen allele CA7115137.

ClinVar aggregate classification (germline): Likely benign. Review status: criteria provided, multiple submitters, no conflicts (2 of 4 stars). 5 submissions from 5 submitters: Likely benign (5). Last evaluated 2024-06-30.

Conditions:
Cardiomyopathy (CMYO). Also called: Cardiomyopathies. Identifiers: Orphanet 167848, MedGen C0878544, MONDO:0004994, HP:0001638. Inheritance: Various modes of inheritance.
Hypertrophic cardiomyopathy 14. Identifiers: MedGen C2750467, MONDO:0013197, OMIM 613251.
Cardiovascular phenotype. Identifiers: MedGen CN230736.

Allele frequency attached by ClinVar (database versions not stated): TOPMed 0.00001; gnomAD 0.00002 and 0.00003; gnomAD exomes 0.00003; ExAC 0.00004; 1000 Genomes Project 30x 0.00016.
gnomAD v4.1: 21 of 1,599,106 alleles (0.0013%); highest among the groups gnomAD compares: East Asian, 0.0045%; no homozygotes.

Submissions (5):

Ambry Genetics
Classification: Likely benign for Cardiovascular phenotype. Last evaluated: 2024-06-30. Review status: criteria provided, single submitter. Criteria: Ambry Variant Classification Scheme 2023. Collection method: clinical testing. Allele origin: germline.

CeGaT Center for Human Genetics Tuebingen
Classification: Likely benign. Last evaluated: 2023-11-01. Review status: criteria provided, single submitter. Criteria: CeGaT Center For Human Genetics Tuebingen Variant Classification Criteria Version 2. Collection method: clinical testing. Allele origin: germline. Affected: yes. Observed: 1 variant allele.
Comment: MYH6: BP4, BP7

Labcorp Genetics (formerly Invitae), Labcorp
Classification: Likely benign for Hypertrophic cardiomyopathy 14. Last evaluated: 2020-12-25. Review status: criteria provided, single submitter. Criteria: Invitae Variant Classification Sherloc (09022015). Collection method: clinical testing. Allele origin: germline.

CHEO Genetics Diagnostic Laboratory, Children's Hospital of Eastern Ontario
Classification: Likely benign for Cardiomyopathy. Last evaluated: 2020-06-26. Review status: criteria provided, single submitter. Criteria: ACMG Guidelines, 2015. Collection method: clinical testing. Allele origin: germline.

Blueprint Genetics
Classification: Likely benign. Last evaluated: 2017-08-09. Review status: criteria provided, single submitter. Criteria: ACMG Guidelines, 2015. Collection method: clinical testing. Allele origin: germline.